The following is an entry in ClinVar:

ClinVar aggregate classification (germline): Likely benign. Review status: criteria provided, multiple submitters, no conflicts (2 of 4 stars). 4 submissions from 4 submitters: Likely benign (4). Last evaluated 2026-03-01.

Allele frequency attached by ClinVar (database versions not stated): ExAC 0.00005; gnomAD exomes 0.00005; TOPMed 0.00006; gnomAD 0.00007; ESP Exome Variant Server 0.00008.
gnomAD v4.1: 92 of 1,613,620 alleles (0.0057%); highest among the groups gnomAD compares: Middle Eastern, 0.033%; 1 homozygote.

Submissions (4):

CeGaT Center for Human Genetics Tuebingen
Classification: Likely benign. Last evaluated: 2026-03-01. Review status: criteria provided, single submitter. Criteria: CeGaT Center For Human Genetics Tuebingen Variant Classification Criteria Version 2. Collection method: clinical testing. Allele origin: germline. Affected: yes. Observed: 1 variant allele.
Comment: CENPF: BP4, BP7

Laboratory of Genetics, Children's Clinical University Hospital Latvia
Classification: Likely benign. Last evaluated: 2025-02-16. Review status: criteria provided, single submitter. Criteria: ACMG Guidelines, 2015. Collection method: clinical testing. Allele origin: germline. Affected: yes.

Blueprint Genetics
Classification: Likely benign. Last evaluated: 2024-08-15. Review status: criteria provided, single submitter. Criteria: ACMG Guidelines, 2015. Collection method: clinical testing. Allele origin: germline.

Genetic Services Laboratory, University of Chicago
Classification: Likely benign. Last evaluated: 2018-03-09. Review status: criteria provided, single submitter. Criteria: ACMG Guidelines, 2015. Collection method: clinical testing. Allele origin: germline. Affected: no.

NM_016343.4(CENPF):c.5922C>G (p.Thr1974=)

Gene: CENPF (centromere protein F; plus strand). Cytogenetic location: 1q41.
Variant type: single nucleotide variant.
Coding change: c.5922C>G on transcript NM_016343.4 (MANE Select); coding-DNA position 5922, C replaced by G.
Protein change: p.Thr1974=; no amino-acid change (threonine 1974 retained).
Molecular consequence: synonymous variant.
Genome position (GRCh38, 1-based): chr1:214,645,492, C>G. VCF-style: chr1-214645492-C-G. GRCh37 (hg19) VCF-style: chr1-214818835-C-G.
Identifiers: ClinVar variation 1336571 (VCV001336571.10), dbSNP rs368250246, ClinGen allele CA1390877.